The following is an entry in ClinVar:

NM_001164508.2(NEB):c.21382T>C (p.Leu7128=)

Genes: NEB (nebulin; minus strand), RIF1 (replication timing regulatory factor 1; plus strand). Cytogenetic location: 2q23.3.
Variant type: single nucleotide variant.
Coding change: c.21382T>C on transcript NM_001164508.2 (MANE Select); coding-DNA position 21382, T replaced by C.
Protein change: p.Leu7128=; no amino-acid change (leucine 7128 retained).
Molecular consequence: synonymous variant. On other transcripts: intron variant (2).
Genome position (GRCh38, 1-based): chr2:151,533,477, A>G on the plus strand (T>C on the coding strand, the complement: NEB is on the minus strand). VCF-style: chr2-151533477-A-G. GRCh37 (hg19) VCF-style: chr2-152389991-A-G.
Other names: p.Leu7163=; c.21487T>C, p.Leu7163= (NM_001271208.2); c.16314+738T>C (NM_004543.5); c.21417+738T>C (NM_001164507.2).
Identifiers: ClinVar variation 257788 (VCV000257788.17), dbSNP rs114218081, ClinGen allele CA1906980.

ClinVar aggregate classification (germline): Benign/Likely benign. Review status: criteria provided, multiple submitters, no conflicts (2 of 4 stars). 8 submissions from 8 submitters: Benign (6); Likely benign (1). 1 of the submissions does not count toward it. Last evaluated 2026-02-04.

Conditions:
Nemaline myopathy 2 (NEM2). Also called: Nemaline myopathy 2, autosomal recessive. Identifiers: MedGen C1850569, MONDO:0009725, OMIM 256030.

Allele frequency attached by ClinVar (database versions not stated): ExAC 0.01738; 1000 Genomes Project 0.01757; 1000 Genomes Project 30x 0.01796; gnomAD exomes 0.01833 and 0.02111; TOPMed 0.02525; gnomAD 0.02605 and 0.02752; ESP Exome Variant Server 0.02650.
gnomAD v4.1: 33,415 of 1,551,314 alleles (2.2%); highest among the groups gnomAD compares: African/African-American, 4.4%; 436 homozygotes.

Submissions (8):

Labcorp Genetics (formerly Invitae), Labcorp
Classification: Benign for Nemaline myopathy 2. Last evaluated: 2026-02-04. Review status: criteria provided, single submitter. Criteria: Invitae Variant Classification Sherloc (09022015). Collection method: clinical testing. Allele origin: germline.

Blueprint Genetics
Classification: Likely benign. Last evaluated: 2024-11-26. Review status: criteria provided, single submitter. Criteria: ACMG Guidelines, 2015. Collection method: clinical testing. Allele origin: germline.

Mayo Clinic Laboratories, Mayo Clinic
Classification: Benign. Last evaluated: 2023-01-19. Review status: criteria provided, single submitter. Criteria: ACMG Guidelines, 2015. Collection method: clinical testing. Allele origin: germline. Observed: 20 variant alleles.
Comment: BS1, BS2

Women's Health and Genetics/Laboratory Corporation of America, LabCorp
Classification: Benign. Last evaluated: 2022-02-01. Review status: criteria provided, single submitter. Criteria: LabCorp Variant Classification Summary - May 2015. Collection method: clinical testing. Allele origin: germline.

GeneDx
Classification: Benign. Last evaluated: 2016-03-29. Review status: criteria provided, single submitter. Criteria: GeneDx Variant Classification (06012015). Collection method: clinical testing. Allele origin: germline. Affected: yes.
Comment: This variant is considered likely benign or benign based on one or more of the following criteria: it is a conservative change, it occurs at a poorly conserved position in the protein, it is predicted to be benign by multiple in silico algorithms, and/or has population frequency not consistent with disease.

PreventionGenetics, part of Exact Sciences
Classification: Benign. Last evaluated: 2016-03-07. Review status: criteria provided, single submitter. Criteria: ACMG Guidelines, 2015. Collection method: clinical testing. Allele origin: germline.

Breakthrough Genomics
Classification: Benign. Review status: criteria provided, single submitter. Criteria: ACMG Guidelines, 2015. Collection method: not provided. Allele origin: germline. Inheritance: Autosomal recessive inheritance. Affected: yes.

Natera, Inc.
Classification: Benign for Nemaline myopathy type 2. Last evaluated: 2020-09-16. Review status: no assertion criteria provided. Collection method: clinical testing. Allele origin: germline. Not counted in ClinVar's aggregate classification.